The following is an entry in ClinVar:

NM_016729.3(FOLR1):c.171T>C (p.Cys57=)

Genes: FOLR1 (folate receptor alpha; plus strand), FOLR1-AS1 (FOLR1 antisense RNA 1; minus strand). Cytogenetic location: 11q13.4.
Variant type: single nucleotide variant.
Coding change: c.171T>C on transcript NM_016729.3 (MANE Select); coding-DNA position 171, T replaced by C.
Protein change: p.Cys57=; no amino-acid change (cysteine 57 retained).
Molecular consequence: synonymous variant.
Genome position (GRCh38, 1-based): chr11:72,195,273, T>C. VCF-style: chr11-72195273-T-C. GRCh37 (hg19) VCF-style: chr11-71906317-T-C.
Other names: c.171T>C, p.Cys57= (NM_000802.3, NM_016724.3, NM_016725.3).
Identifiers: ClinVar variation 1133750 (VCV001133750.13), dbSNP rs930764783, ClinGen allele CA224404438.

ClinVar aggregate classification (germline): Likely benign. Review status: criteria provided, multiple submitters, no conflicts (2 of 4 stars). 2 submissions from 2 submitters: Likely benign (2). Last evaluated 2026-02-01.

Conditions:
Cerebral folate transport deficiency. Also called: Cerebral folate deficiency syndrome; FOLATE RECEPTOR DEFICIENCY; Neurodegenerative syndrome due to cerebral folate transport deficiency; FOLR1-Related Cerebral Folate Transport Deficiency; NEURODEGENERATION DUE TO CEREBRAL FOLATE TRANSPORT DEFICIENCY. Identifiers: Orphanet 217382, MedGen C2751584, MONDO:0013110, OMIM 613068. Disease mechanism: loss of function.

Allele frequency attached by ClinVar (database versions not stated): gnomAD exomes below 0.00001; gnomAD 0.00003; TOPMed 0.00005.
gnomAD v4.1: 12 of 1,613,972 alleles (0.00074%); highest among the groups gnomAD compares: Admixed American, 0.012%; no homozygotes.

Submissions (2):

CeGaT Center for Human Genetics Tuebingen
Classification: Likely benign. Last evaluated: 2026-02-01. Review status: criteria provided, single submitter. Criteria: CeGaT Center For Human Genetics Tuebingen Variant Classification Criteria Version 2. Collection method: clinical testing. Allele origin: germline. Affected: yes. Observed: 1 variant allele.
Comment: FOLR1: BP4, BP7

Labcorp Genetics (formerly Invitae), Labcorp
Classification: Likely benign for Cerebral folate transport deficiency. Last evaluated: 2025-11-06. Review status: criteria provided, single submitter. Criteria: Invitae Variant Classification Sherloc (09022015). Collection method: clinical testing. Allele origin: germline.